The following is an entry in ClinVar:

ClinVar aggregate classification (germline): Pathogenic (1 of 4 stars; one submission).

Conditions:
Deficiency of aromatic-L-amino-acid decarboxylase. Also called: AADC DEFICIENCY; DDC DEFICIENCY; DOPA DECARBOXYLASE DEFICIENCY; Aromatic L-Amino Acid Decarboxylase Deficiency; Aromatic amino acid decarboxylase deficiency. Identifiers: Orphanet 35708, MedGen C1291564, MONDO:0012084, OMIM 608643.

gnomAD v4.1: 2 of 1,614,014 alleles (0.00012%); highest among the groups gnomAD compares: Non-Finnish European, 0.00017%; no homozygotes.

Submission:

Labcorp Genetics (formerly Invitae), Labcorp
Classification: Pathogenic for Deficiency of aromatic-L-amino-acid decarboxylase. Last evaluated: 2024-12-19. Review status: criteria provided, single submitter. Criteria: Invitae Variant Classification Sherloc (09022015). Collection method: clinical testing. Allele origin: germline.
Comment: This sequence change creates a premature translational stop signal (p.Gln168*) in the DDC gene. It is expected to result in an absent or disrupted protein product. Loss-of-function variants in DDC are known to be pathogenic (PMID: 15079002, 24788355). This variant is not present in population databases (gnomAD no frequency). This variant has not been reported in the literature in individuals affected with DDC-related conditions. For these reasons, this variant has been classified as Pathogenic.

Literature cited by the submitters: PubMed 15079002; PubMed 24788355.

NM_001082971.2(DDC):c.502C>T (p.Gln168Ter)

Gene: DDC (dopa decarboxylase; minus strand). Cytogenetic location: 7p12.1.
Variant type: single nucleotide variant.
Coding change: c.502C>T on transcript NM_001082971.2 (MANE Select); coding-DNA position 502, C replaced by T.
Protein change: p.Gln168Ter; replaces glutamine 168 with a stop codon.
Molecular consequence: nonsense. On other transcripts: intron variant (1).
Genome position (GRCh38, 1-based): chr7:50,529,276, G>A on the plus strand (C>T on the coding strand, the complement: DDC is on the minus strand). VCF-style: chr7-50529276-G-A. GRCh37 (hg19) VCF-style: chr7-50596974-G-A.
Other names: c.502C>T, p.Gln168Ter (NM_000790.4, NM_001242887.2, NM_001242890.2); c.388C>T, p.Gln130Ter (NM_001242886.2); c.268C>T, p.Gln90Ter (NM_001242888.2); c.435+8584C>T (NM_001242889.2); short protein forms Q168*, Q130*, Q90*.
Identifiers: ClinVar variation 3715463 (VCV003715463.2).